The following is an entry in ClinVar:

ClinVar aggregate classification (germline): Uncertain significance. Review status: criteria provided, multiple submitters, no conflicts (2 of 4 stars). 2 submissions from 2 submitters: Uncertain significance (2). Last evaluated 2026-01-09.

Conditions:
Inborn genetic diseases. Identifiers: MedGen C0950123, MeSH D030342.

Allele frequency attached by ClinVar (database versions not stated): gnomAD 0.00001; TOPMed 0.00001; ExAC 0.00001; gnomAD exomes 0.00006.
gnomAD v4.1: 88 of 1,613,902 alleles (0.0055%); highest among the groups gnomAD compares: Non-Finnish European, 0.0072%; no homozygotes.

Submissions (2):

Labcorp Genetics (formerly Invitae), Labcorp
Classification: Uncertain significance. Last evaluated: 2026-01-09. Review status: criteria provided, single submitter. Criteria: Invitae Variant Classification Sherloc (09022015). Collection method: clinical testing. Allele origin: germline.
Comment: This sequence change replaces tyrosine, which is neutral and polar, with cysteine, which is neutral and slightly polar, at codon 1582 of the VCAN protein (p.Tyr1582Cys). This variant is present in population databases (rs772545377, gnomAD 0.005%). This variant has not been reported in the literature in individuals affected with VCAN-related conditions. ClinVar contains an entry for this variant (Variation ID: 3188344). An algorithm developed to predict the effect of missense changes on protein structure and function (PolyPhen-2) suggests that this variant is likely to be disruptive. In summary, the available evidence is currently insufficient to determine the role of this variant in disease. Therefore, it has been classified as a Variant of Uncertain Significance.

Ambry Genetics
Classification: Uncertain significance for Inborn genetic diseases. Last evaluated: 2023-12-22. Review status: criteria provided, single submitter. Criteria: Ambry Variant Classification Scheme 2023. Collection method: clinical testing. Allele origin: germline.

NM_004385.5(VCAN):c.4745A>G (p.Tyr1582Cys)

Genes: VCAN (versican; plus strand), VCAN-AS1 (VCAN antisense RNA 1; minus strand). Cytogenetic location: 5q14.3.
Variant type: single nucleotide variant.
Coding change: c.4745A>G on transcript NM_004385.5 (MANE Select); coding-DNA position 4745, A replaced by G.
Protein change: p.Tyr1582Cys; replaces tyrosine 1582 with cysteine.
Molecular consequence: missense variant. On other transcripts: intron variant (2).
Genome position (GRCh38, 1-based): chr5:83,537,748, A>G. VCF-style: chr5-83537748-A-G. GRCh37 (hg19) VCF-style: chr5-82833567-A-G.
Other names: c.1784A>G, p.Tyr595Cys (NM_001164097.2); c.4004-7789A>G (NM_001164098.2); c.1043-7789A>G (NM_001126336.3); short protein forms Y595C, Y1582C.
Identifiers: ClinVar variation 3188344 (VCV003188344.3), dbSNP rs772545377, ClinGen allele CA3333223.
Genomic context (GRCh38, chr5:83,537,748, plus strand): 5'-TTGCAAGGGCTACAGAAGTAACATTTGGTGAAGAGGTAGAAAAAAGTACTTCTGTCACAT[A>G]CACTCCCACTATAGTTCCAAGTTCTGCATCAGCATATGTTTCAGAGGAAGAAGCAGTTAC-3'
Protein context (NP_004376.2, residues 1572-1592): EEVEKSTSVT[Tyr1582Cys]TPTIVPSSAS